The following is an entry in ClinVar:

NM_000088.4(COL1A1):c.750+1G>A

Genes: COL1A1 (collagen type I alpha 1 chain; minus strand), LOC126862586 (CDK7 strongly-dependent group 2 enhancer GRCh37_chr17:48273702-48274901; plus strand). Cytogenetic location: 17q21.33.
Variant type: single nucleotide variant.
Coding change: c.750+1G>A on transcript NM_000088.4 (MANE Select); the canonical splice donor site of the intron after coding-DNA position 750, G replaced by A.
Molecular consequence: splice donor variant.
Genome position (GRCh38, 1-based): chr17:50,197,179, C>T on the plus strand (G>A on the coding strand, the complement: COL1A1 is on the minus strand). VCF-style: chr17-50197179-C-T. GRCh37 (hg19) VCF-style: chr17-48274540-C-T.
Other names: c.750+1G>A (NM_000088.3).
Identifiers: ClinVar variation 2504977 (VCV002504977.4), dbSNP rs2509241842, ClinGen allele CA400224078.

ClinVar aggregate classification (germline): Pathogenic. Review status: criteria provided, multiple submitters, no conflicts (2 of 4 stars). 3 submissions from 3 submitters: Pathogenic (3). Last evaluated 2025-06-18.

Conditions:
Osteogenesis imperfecta with normal sclerae, dominant form (OI4). Also called: OSTEOGENESIS IMPERFECTA WITH NORMAL SCLERAE; Osteogenesis imperfecta type 4; Osteogenesis Imperfecta Type IV; OSTEOGENESIS IMPERFECTA, TYPE IV, WITH DENTINOGENESIS IMPERFECTA; Common Variable Osteogenesis Imperfecta with Normal Sclerae. Identifiers: Orphanet 216820, Orphanet 666, MedGen C0268363, MONDO:0008148, OMIM 166220.
Osteogenesis imperfecta type I (OI1). Also called: OI, TYPE I; OSTEOGENESIS IMPERFECTA TARDA; OSTEOGENESIS IMPERFECTA WITH BLUE SCLERAE; Osteogenesis imperfecta type 1; Lobstein's Disease; Lobstein disease. Identifiers: Orphanet 216796, Orphanet 666, MedGen C0023931, MONDO:0008146, OMIM 166200. Disease mechanism: loss of function.

Submissions (3):

Clinical Biomedical Laboratory, Shriners Hospital For Children - Canada
Classification: Pathogenic for Osteogenesis imperfecta with normal sclerae, dominant form. Last evaluated: 2025-06-18. Review status: criteria provided, single submitter. Criteria: ACMG Guidelines, 2015. Collection method: clinical testing. Allele origin: germline. Affected: yes.
Comment: This variant affects a consensus splice site in COL1A1. Variants affecting essential splice sites in COL1A1 are a typical cause of osteogenesis imperfecta. This variant has also been reported in the literature (for example: PMID 27509835). We have observed this variant in the Shriners Hospital for Children variant database in three unrelated individuals with a diagnosis of osteogenesis imperfecta. The variant is not present in the gnomAD database (version 2.1.1).

Greenwood Genetic Center Diagnostic Laboratories, Greenwood Genetic Center
Classification: Pathogenic for Osteogenesis imperfecta type I. Last evaluated: 2025-01-04. Review status: criteria provided, single submitter. Criteria: ACMG Guidelines, 2015. Collection method: clinical testing. Allele origin: germline. Affected: yes.
Comment: PVS1/PP3_Stong, PS4, PM2, PM6

GeneDx
Classification: Pathogenic. Last evaluated: 2024-06-12. Review status: criteria provided, single submitter. Criteria: GeneDx Variant Classification Process June 2021. Collection method: clinical testing. Allele origin: germline.
Comment: Damages or destroys the splice donor site in intron 10, and is expected to cause abnormal gene splicing; if the splice outcome is exon skip, the loss of the encoded residues in the triple helical region is expected to disrupt normal protein folding and function, and this is an established mechanism of disease (HGMD); Not observed at significant frequency in large population cohorts (gnomAD); This variant is associated with the following publications: (PMID: 37270749, 27335225, 25963598, 27509835, 22753364, 30886339, 30715774)

Literature cited by the submitters: PubMed 27509835 (cited by Clinical Biomedical Laboratory, Shriners Hospital For Children - Canada).